The following is an entry in ClinVar:

ClinVar aggregate classification (germline): Uncertain significance (1 of 4 stars; one submission).

Conditions:
Hereditary thrombocytopenia and hematological cancer predisposition syndrome associated with RUNX1. Also called: Familial Platelet Disorder with Propensity to Acute Myelogenous Leukemia; Familial thrombocytopenia with propensity to acute myelogenous leukemia; RUNX1 Familial Platelet Disorder with Associated Myeloid Malignancies; PLATELET DISORDER, ASPIRIN-LIKE. Identifiers: Orphanet 71290, MedGen C1832388, MeSH C563324, MONDO:0100083, OMIM 601399.

Submission:

Labcorp Genetics (formerly Invitae), Labcorp
Classification: Uncertain significance for Familial platelet disorder with associated myeloid malignancy. Last evaluated: 2019-07-10. Review status: criteria provided, single submitter. Criteria: Invitae Variant Classification Sherloc (09022015). Collection method: clinical testing. Allele origin: germline.
Comment: This variant results in a copy number gain of the genomic region encompassing the full coding sequence of the RUNX1 gene. The boundaries of this event are unknown as they extend beyond the assayed region for this gene and therefore may encompass additional genes. As the precise location of this event is unknown, it may be in tandem or it may be located elsewhere in the genome. This variant has not been reported in the literature in individuals with RUNX1-related conditions. Experimental studies are not available for this variant, and the functional significance of a copy number gain of this gene is currently unknown. In summary, the available evidence is currently insufficient to determine the role of this variant in disease. Therefore, it has been classified as a Variant of Uncertain Significance.

NC_000021.8:g.(?_36164422)_(36421595_?)dup

Genes: RUNX1 (RUNX family transcription factor 1; minus strand), RUNX1-AS1 (RUNX1 antisense RNA 1; plus strand), RUNX1-IT1 (RUNX1 intronic transcript 1; minus strand), LOC126653354 (MED14-independent group 3 enhancer GRCh37_chr21:36208094-36209293; plus strand), LOC126653355 (P300/CBP strongly-dependent group 1 enhancer GRCh37_chr21:36237597-36238796; plus strand) and 21 more. Cytogenetic location: 21q22.12.
Variant type: Duplication.
Identifiers: ClinVar variation 661729 (VCV000661729.2).